The following is an entry in ClinVar:

NM_000206.3(IL2RG):c.239C>T (p.Pro80Leu)

Gene: IL2RG (interleukin 2 receptor subunit gamma; minus strand). Cytogenetic location: Xq13.1.
Variant type: single nucleotide variant.
Coding change: c.239C>T on transcript NM_000206.3 (MANE Select); coding-DNA position 239, C replaced by T.
Protein change: p.Pro80Leu; replaces proline 80 with leucine.
Molecular consequence: missense variant.
Genome position (GRCh38, 1-based): chrX:71,110,927, G>A on the plus strand (C>T on the coding strand, the complement: IL2RG is on the minus strand). VCF-style: chrX-71110927-G-A. GRCh37 (hg19) VCF-style: chrX-70330777-G-A.
Other names: short protein forms P80L.
Identifiers: ClinVar variation 2432847 (VCV002432847.5), dbSNP rs1343008020, ClinGen allele CA413497023.

ClinVar aggregate classification (germline): Uncertain significance. Review status: criteria provided, multiple submitters, no conflicts (2 of 4 stars). 2 submissions from 2 submitters: Uncertain significance (2). Last evaluated 2024-03-18.

Conditions:
X-linked severe combined immunodeficiency (SCIDX1). Also called: IMMUNODEFICIENCY 4; SCID, X-LINKED; SEVERE COMBINED IMMUNODEFICIENCY, X-LINKED, T CELL-NEGATIVE, B CELL-POSITIVE, NK CELL-NEGATIVE; T-B+ severe combined immunodeficiency due to gamma chain deficiency; X-Linked Combined Immunodeficiency Diseases. Identifiers: Orphanet 276, MedGen C6022468, MONDO:0010315, OMIM 300400. Disease mechanism: loss of function.

Allele frequency attached by ClinVar (database versions not stated): gnomAD exomes below 0.00001.

Submissions (2):

Labcorp Genetics (formerly Invitae), Labcorp
Classification: Uncertain significance for X-linked severe combined immunodeficiency. Last evaluated: 2024-03-18. Review status: criteria provided, single submitter. Criteria: Invitae Variant Classification Sherloc (09022015). Collection method: clinical testing. Allele origin: germline.
Comment: This sequence change replaces proline, which is neutral and non-polar, with leucine, which is neutral and non-polar, at codon 80 of the IL2RG protein (p.Pro80Leu). This variant is not present in population databases (gnomAD no frequency). This variant has not been reported in the literature in individuals affected with IL2RG-related conditions. ClinVar contains an entry for this variant (Variation ID: 2432847). Advanced modeling of protein sequence and biophysical properties (such as structural, functional, and spatial information, amino acid conservation, physicochemical variation, residue mobility, and thermodynamic stability) performed at Invitae indicates that this missense variant is not expected to disrupt IL2RG protein function with a negative predictive value of 80%. In summary, the available evidence is currently insufficient to determine the role of this variant in disease. Therefore, it has been classified as a Variant of Uncertain Significance.

Revvity Omics, Revvity
Classification: Uncertain significance. Last evaluated: 2020-03-23. Review status: criteria provided, single submitter. Criteria: ACMG Guidelines, 2015. Collection method: clinical testing. Allele origin: germline.